The following is an entry in ClinVar:

ClinVar aggregate classification (germline): Uncertain significance (1 of 4 stars; one submission).

Allele frequency attached by ClinVar (database versions not stated): 1000 Genomes Project 0.00040; 1000 Genomes Project 30x 0.00031.
gnomAD v4.1: 57 of 1,614,074 alleles (0.0035%); highest among the groups gnomAD compares: South Asian, 0.024%; no homozygotes.

Submission:

Labcorp Genetics (formerly Invitae), Labcorp
Classification: Uncertain significance. Last evaluated: 2022-08-22. Review status: criteria provided, single submitter. Criteria: Invitae Variant Classification Sherloc (09022015). Collection method: clinical testing. Allele origin: germline.
Comment: In summary, the available evidence is currently insufficient to determine the role of this variant in disease. Therefore, it has been classified as a Variant of Uncertain Significance. Algorithms developed to predict the effect of missense changes on protein structure and function output the following: SIFT: "Tolerated"; PolyPhen-2: "Benign"; Align-GVGD: "Class C0". The proline amino acid residue is found in multiple mammalian species, which suggests that this missense change does not adversely affect protein function. This variant has not been reported in the literature in individuals affected with FAN1-related conditions. This variant is present in population databases (rs150393409, gnomAD 0.03%). This sequence change replaces arginine, which is basic and polar, with proline, which is neutral and non-polar, at codon 507 of the FAN1 protein (p.Arg507Pro).

NM_014967.5(FAN1):c.1520G>C (p.Arg507Pro)

Gene: FAN1 (FANCD2 and FANCI associated nuclease 1; plus strand). Cytogenetic location: 15q13.3.
Variant type: single nucleotide variant.
Coding change: c.1520G>C on transcript NM_014967.5 (MANE Select); coding-DNA position 1520, G replaced by C.
Protein change: p.Arg507Pro; replaces arginine 507 with proline.
Molecular consequence: missense variant.
Genome position (GRCh38, 1-based): chr15:30,910,758, G>C. VCF-style: chr15-30910758-G-C. GRCh37 (hg19) VCF-style: chr15-31202961-G-C.
Other names: c.1520G>C, p.Arg507Pro (NM_001146094.2, NM_001146095.1, NM_001146096.2); short protein forms R507P.
Identifiers: ClinVar variation 2177005 (VCV002177005.5), dbSNP rs150393409, ClinGen allele CA7450324.
Genomic context (GRCh38, chr15:30,910,758, plus strand): 5'-TGAATCCCAATGGACAGAAACAGCAGCTGGTGGACGCCTTTCTCAAATTGGCCAAACAGC[G>C]TTCAGTCTGCACTTGGGGCAAGAATAAGCCTGGAATTGGTGCAGTGATTTTAAAAAGGTT-3'
Protein context (NP_055782.3, residues 497-517): VDAFLKLAKQ[Arg507Pro]SVCTWGKNKP